The following is an entry in ClinVar:

ClinVar aggregate classification (germline): Pathogenic (1 of 4 stars; one submission).

Submission:

GeneDx
Classification: Pathogenic. Last evaluated: 2018-12-10. Review status: criteria provided, single submitter. Criteria: GeneDx Variant Classification (06012015). Collection method: clinical testing. Allele origin: germline. Affected: yes.
Comment: The c.5838delA pathogenic variant in the NF1 gene causes a frameshift starting with codon Lysine 1946, changes this amino acid to an Asparagine residue and creates a premature Stop codon at position 12 of the new reading frame, denoted p.Lys1946AsnfsX12. This pathogenic variant is predicted to cause loss of normal protein function either through protein truncation or nonsense-mediated mRNA decay. This variant is not observed in large population cohorts (Lek et al., 2016). Although this pathogenic variant has not been previously reported to our knowledge, its presence is consistent with a molecular diagnosis of neurofibromatosis type 1.

NM_001042492.3(NF1):c.5901del (p.Lys1967fs)

Gene: NF1 (neurofibromin 1; plus strand). Cytogenetic location: 17q11.2.
Variant type: Deletion.
Coding change: c.5901del on transcript NM_001042492.3 (MANE Select); coding-DNA position 5901, one base deleted (A; older notation c.5901delA).
Protein change: p.Lys1967fs; shifts the reading frame from lysine 1967.
Molecular consequence: frameshift variant.
Genome position (GRCh38, 1-based): chr17:31,334,926, A deleted; the last of 3 consecutive A bases (chr17:31,334,924-31,334,926); deleting any one gives the same sequence. VCF-style (leftmost placement, unchanged base first): chr17-31334923-CA-C. GRCh37 (hg19) VCF-style: chr17-29661941-CA-C.
Other names: c.5838delA (NM_000267.3); c.5838delA, p.Lys1946Asnfs (NM_000267.4); short protein forms K1967fs, K1946fs.
Identifiers: ClinVar variation 817915 (VCV000817915.1), dbSNP rs1597840123, ClinGen allele CA915949878.
Genomic context (GRCh38, chr17:31,334,923, plus strand): 5'-GGAATACATGACTCCATGGCTGTCAAATCTAGTTCGTTTTTGCAAGCATAATGATGATGC[CA>C]AACGACAAAGAGTTACTGCTATTCTTGACAAGCTGATAACAATGACCATCAATGAAAAAC-3'